The following is an entry in ClinVar:

ClinVar aggregate classification (germline): Likely benign. Review status: criteria provided, multiple submitters, no conflicts (2 of 4 stars). 2 submissions from 2 submitters: Likely benign (2). Last evaluated 2026-08-04.

Conditions:
Chédiak-Higashi syndrome (CHS). Also called: Chediak-Higashi Syndrome. Identifiers: Orphanet 167, MedGen C0007965, MONDO:0008963, OMIM 214500.
LYST-related disorder. Also called: LYST-related condition.

Allele frequency attached by ClinVar (database versions not stated): ExAC 0.00001; gnomAD exomes 0.00002; gnomAD 0.00005; ESP Exome Variant Server 0.00008; TOPMed 0.00023.
gnomAD v4.1: 40 of 1,614,002 alleles (0.0025%); highest among the groups gnomAD compares: Admixed American, 0.018%; no homozygotes.

Submissions (2):

PreventionGenetics, part of Exact Sciences
Classification: Likely benign for LYST-related condition. Last evaluated: 2026-08-04. Review status: criteria provided, single submitter. Criteria: ACMG Guidelines, 2015. Collection method: clinical testing. Allele origin: germline.
Comment: This variant is classified as likely benign based on ACMG/AMP sequence variant interpretation guidelines (Richards et al. 2015 PMID: 25741868, with internal and published modifications).

Labcorp Genetics (formerly Invitae), Labcorp
Classification: Likely benign for Chédiak-Higashi syndrome. Last evaluated: 2026-02-02. Review status: criteria provided, single submitter. Criteria: Invitae Variant Classification Sherloc (09022015). Collection method: clinical testing. Allele origin: germline.

NM_000081.4(LYST):c.11070G>A (p.Thr3690=)

Gene: LYST (lysosomal trafficking regulator; minus strand). Cytogenetic location: 1q42.3.
Variant type: single nucleotide variant.
Coding change: c.11070G>A on transcript NM_000081.4 (MANE Select); coding-DNA position 11070, G replaced by A.
Protein change: p.Thr3690=; no amino-acid change (threonine 3690 retained).
Molecular consequence: synonymous variant.
Genome position (GRCh38, 1-based): chr1:235,664,590, C>T on the plus strand (G>A on the coding strand, the complement: LYST is on the minus strand). VCF-style: chr1-235664590-C-T. GRCh37 (hg19) VCF-style: chr1-235827890-C-T.
Other names: c.11070G>A, p.Thr3690= (NM_001301365.1).
Identifiers: ClinVar variation 936100 (VCV000936100.7), dbSNP rs142086615, ClinGen allele CA1465218.
Genomic context (GRCh38, chr1:235,664,590, plus strand): 5'-GAAAGCCACGGAACAGATGATCTCCCTGCAGTGGACATGTCCAACGAGATCCCCGTTCAC[C>T]GTCCAGAGTCTGAGGTCACTGCCTCCGCCAGCTAAAACACCCAAATCATCCGGCGGGTTA-3'
Protein context (NP_000072.2, residues 3680-3700): AGGGSDLRLW[Thr3690=]VNGDLVGHVH